The following is an entry in ClinVar:

NM_182914.3(SYNE2):c.18389+7A>T

Gene: SYNE2 (spectrin repeat containing nuclear envelope protein 2; plus strand). Cytogenetic location: 14q23.2.
Variant type: single nucleotide variant.
Coding change: c.18389+7A>T on transcript NM_182914.3 (MANE Select); 7 bases into the intron after coding-DNA position 18389, A replaced by T.
Molecular consequence: intron variant.
Genome position (GRCh38, 1-based): chr14:64,208,952, A>T. VCF-style: chr14-64208952-A-T. GRCh37 (hg19) VCF-style: chr14-64675670-A-T.
Other names: c.18389+7A>T (NM_015180.6).
Identifiers: ClinVar variation 313640 (VCV000313640.13), dbSNP rs372337180, ClinGen allele CA7224055.

ClinVar aggregate classification (germline): Likely benign. Review status: criteria provided, multiple submitters, no conflicts (2 of 4 stars). 2 submissions from 2 submitters: Likely benign (2). Last evaluated 2025-11-12.

Conditions:
Emery-Dreifuss muscular dystrophy 5, autosomal dominant (EDMD5). Also called: EMERY-DREIFUSS MUSCULAR DYSTROPHY 5. Identifiers: Orphanet 261, MedGen C2751805, MONDO:0013072, OMIM 612999.

Allele frequency attached by ClinVar (database versions not stated): TOPMed 0.00003; ExAC 0.00006; gnomAD 0.00007 and 0.00008; ESP Exome Variant Server 0.00008; gnomAD exomes 0.00008 and 0.00009.
gnomAD v4.1: 134 of 1,613,406 alleles (0.0083%); highest among the groups gnomAD compares: Non-Finnish European, 0.0075%; no homozygotes.

Submissions (2):

Labcorp Genetics (formerly Invitae), Labcorp
Classification: Likely benign for Emery-Dreifuss muscular dystrophy 5, autosomal dominant. Last evaluated: 2025-11-12. Review status: criteria provided, single submitter. Criteria: Invitae Variant Classification Sherloc (09022015). Collection method: clinical testing. Allele origin: germline.

Illumina Laboratory Services, Illumina
Classification: Likely benign for Emery-Dreifuss muscular dystrophy 5, autosomal dominant. Last evaluated: 2018-01-13. Review status: criteria provided, single submitter. Criteria: ICSL Variant Classification Criteria 13 December 2019. Collection method: clinical testing. Allele origin: germline.
Comment: This variant was observed in the ICSL laboratory as part of a predisposition screen in an ostensibly healthy population. It had not been previously curated by ICSL or reported in the Human Gene Mutation Database (HGMD: prior to June 1st, 2018), and was therefore a candidate for classification through an automated scoring system. Utilizing variant allele frequency, disease prevalence and penetrance estimates, and inheritance mode, an automated score was calculated to assess if this variant is too frequent to cause the disease. Based on the score and internal cut-off values, a variant classified as likely benign is not then subjected to further curation. The score for this variant resulted in a classification of likely benign for this disease.